The following is an entry in ClinVar:

NM_130783.5(TSPAN18):c.228C>T (p.Ala76=)

Gene: TSPAN18 (tetraspanin 18; plus strand). Cytogenetic location: 11p11.2.
Variant type: single nucleotide variant.
Coding change: c.228C>T on transcript NM_130783.5 (MANE Select); coding-DNA position 228, C replaced by T.
Protein change: p.Ala76=; no amino-acid change (alanine 76 retained).
Molecular consequence: synonymous variant.
Genome position (GRCh38, 1-based): chr11:44,909,869, C>T. VCF-style: chr11-44909869-C-T. GRCh37 (hg19) VCF-style: chr11-44931420-C-T.
Identifiers: ClinVar variation 3033762 (VCV003033762.2), dbSNP rs1217918419, ClinGen allele CA473846106.

ClinVar aggregate classification (germline): Likely benign (0 of 4 stars; one submission).

Conditions:
TSPAN18-related disorder. Also called: TSPAN18-related condition.

Allele frequency attached by ClinVar (database versions not stated): gnomAD exomes below 0.00001.
gnomAD v4.1: 3 of 1,613,678 alleles (0.00019%); highest among the groups gnomAD compares: Non-Finnish European, 0.00017%; no homozygotes.

Submission:

PreventionGenetics, part of Exact Sciences
Classification: Likely benign for TSPAN18-related condition. Last evaluated: 2019-06-07. Review status: no assertion criteria provided. Collection method: clinical testing. Allele origin: germline.
Comment: This variant is classified as likely benign based on ACMG/AMP sequence variant interpretation guidelines (Richards et al. 2015 PMID: 25741868, with internal and published modifications).